The following is an entry in ClinVar:

NM_004714.3(DYRK1B):c.1173G>A (p.Ala391=)

Gene: DYRK1B (dual specificity tyrosine phosphorylation regulated kinase 1B; minus strand). Cytogenetic location: 19q13.2.
Variant type: single nucleotide variant.
Coding change: c.1173G>A on transcript NM_004714.3 (MANE Select); coding-DNA position 1173, G replaced by A.
Protein change: p.Ala391=; no amino-acid change (alanine 391 retained).
Molecular consequence: synonymous variant. On other transcripts: intron variant (2).
Genome position (GRCh38, 1-based): chr19:39,826,910, C>T on the plus strand (G>A on the coding strand, the complement: DYRK1B is on the minus strand). VCF-style: chr19-39826910-C-T. GRCh37 (hg19) VCF-style: chr19-40317550-C-T.
Other names: c.1096-43G>A (NM_006483.3); c.1131+42G>A (NM_006484.3); c.1173G>A (NM_004714.2).
Identifiers: ClinVar variation 1435181 (VCV001435181.9), dbSNP rs1320191888, ClinGen allele CA507664487.
Genomic context (GRCh38, chr19:39,826,910, plus strand): 5'-CATGCGCAGCACCAGGTCCTGGAAGCGGAGGTAGTCGGCGGGGCTGTGGCCCGGCTCCCC[C>T]GCCCGCCGGCCCCCGGGCCCGCCCGTCTGCACGCCCAGCACCTCCTGCAGCCGCCGTGTC-3'
Protein context (NP_004705.1, residues 381-401): VQTGGPGGRR[Ala391=]GEPGHSPADY

ClinVar aggregate classification (germline): Likely benign. Review status: criteria provided, single submitter (1 of 4 stars). 2 submissions from 2 submitters: Likely benign (1). 1 of the submissions does not count toward it. Last evaluated 2024-03-04.

Conditions:
DYRK1B-related disorder. Also called: DYRK1B-related condition.

gnomAD v4.1: 4 of 1,418,810 alleles (0.00028%); highest among the groups gnomAD compares: Non-Finnish European, 0.00036%; no homozygotes.

Submissions (2):

Labcorp Genetics (formerly Invitae), Labcorp
Classification: Likely benign. Last evaluated: 2024-03-04. Review status: criteria provided, single submitter. Criteria: Invitae Variant Classification Sherloc (09022015). Collection method: clinical testing. Allele origin: germline.

PreventionGenetics, part of Exact Sciences
Classification: Likely benign for DYRK1B-related condition. Last evaluated: 2021-09-15. Review status: no assertion criteria provided. Collection method: clinical testing. Allele origin: germline. Not counted in ClinVar's aggregate classification.
Comment: This variant is classified as likely benign based on ACMG/AMP sequence variant interpretation guidelines (Richards et al. 2015 PMID: 25741868, with internal and published modifications).